The following is an entry in ClinVar:

NM_000019.4(ACAT1):c.757G>A (p.Asp253Asn)

Gene: ACAT1 (acetyl-CoA acetyltransferase 1; plus strand). Cytogenetic location: 11q22.3.
Variant type: single nucleotide variant.
Coding change: c.757G>A on transcript NM_000019.4 (MANE Select); coding-DNA position 757, G replaced by A.
Protein change: p.Asp253Asn; replaces aspartic acid 253 with asparagine.
Molecular consequence: missense variant.
Genome position (GRCh38, 1-based): chr11:108,141,631, G>A. VCF-style: chr11-108141631-G-A. GRCh37 (hg19) VCF-style: chr11-108012358-G-A.
Other names: c.757G>A, p.Asp253Asn (LRG_1400t1); short protein forms D253N.
Identifiers: ClinVar variation 225062 (VCV000225062.4), dbSNP rs869312946, ClinGen allele CA357997.
Genomic context (GRCh38, chr11:108,141,631, plus strand): 5'-TTGAGCGATTTTACTTAAAATATTTTTATTTTAGGTCAACCAGATGTAGTGGTGAAAGAA[G>A]ATGAAGAATATAAACGTGTTGATTTTAGCAAAGTTCCAAAGCTGAAGACAGTTTTCCAGA-3'
Protein context (NP_000010.1, residues 243-263): KGQPDVVVKE[Asp253Asn]EEYKRVDFSK

ClinVar aggregate classification (germline): Pathogenic (1 of 4 stars; one submission).

Conditions:
Inborn genetic diseases. Identifiers: MedGen C0950123, MeSH D030342.

Submission:

Ambry Genetics
Classification: Pathogenic for Inborn genetic diseases. Last evaluated: 2012-10-04. Review status: criteria provided, single submitter. Criteria: Ambry Autosomal Dominant and X-Linked criteria (10/2015). Collection method: clinical testing. Allele origin: germline. Observed: 1 variant allele.
Comment: Co-segregation data for this variant is currently unavailable. This variant has not been detected in conjunction with a pathogenic mutation to date. Allele frequency data in population-based cohorts is not currently available. This amino acid position is completely conserved among available vertebrate species.This alteration is predicted to be probably damaging with a score of 1.000 (sensitivity: 0.00; specificity: 1.00)This alteration is predicted to be deleterious with a score of 0.000 (conservation: 2.99)